The following is an entry in ClinVar:

NM_005732.4(RAD50):c.1195C>T (p.Leu399Phe)

Gene: RAD50 (RAD50 double strand break repair protein; plus strand). Cytogenetic location: 5q31.1.
Variant type: single nucleotide variant.
Coding change: c.1195C>T on transcript NM_005732.4 (MANE Select); coding-DNA position 1195, C replaced by T.
Protein change: p.Leu399Phe; replaces leucine 399 with phenylalanine.
Molecular consequence: missense variant.
Genome position (GRCh38, 1-based): chr5:132,588,830, C>T. VCF-style: chr5-132588830-C-T. GRCh37 (hg19) VCF-style: chr5-131924522-C-T.
Other names: short protein forms L399F.
Identifiers: ClinVar variation 232684 (VCV000232684.8), dbSNP rs876659920, ClinGen allele CA10578519.

ClinVar aggregate classification (germline): Uncertain significance. Review status: criteria provided, multiple submitters, no conflicts (2 of 4 stars). 2 submissions from 2 submitters: Uncertain significance (2). Last evaluated 2023-11-10.

Conditions:
Hereditary cancer-predisposing syndrome. Also called: Neoplastic Syndromes, Hereditary; Tumor predisposition; Hereditary Cancer Syndrome; Hereditary neoplastic syndrome. Identifiers: Orphanet 140162, MedGen C0027672, MeSH D009386, MONDO:0015356.

Allele frequency attached by ClinVar (database versions not stated): gnomAD exomes below 0.00001.

Submissions (2):

Labcorp Genetics (formerly Invitae), Labcorp
Classification: Uncertain significance for Hereditary cancer-predisposing syndrome. Last evaluated: 2023-11-10. Review status: criteria provided, single submitter. Criteria: Invitae Variant Classification Sherloc (09022015). Collection method: clinical testing. Allele origin: germline.
Comment: This sequence change replaces leucine, which is neutral and non-polar, with phenylalanine, which is neutral and non-polar, at codon 399 of the RAD50 protein (p.Leu399Phe). This variant is not present in population databases (gnomAD no frequency). This variant has not been reported in the literature in individuals affected with RAD50-related conditions. ClinVar contains an entry for this variant (Variation ID: 232684). Advanced modeling of protein sequence and biophysical properties (such as structural, functional, and spatial information, amino acid conservation, physicochemical variation, residue mobility, and thermodynamic stability) performed at Invitae indicates that this missense variant is not expected to disrupt RAD50 protein function with a negative predictive value of 80%. In summary, the available evidence is currently insufficient to determine the role of this variant in disease. Therefore, it has been classified as a Variant of Uncertain Significance.

Ambry Genetics
Classification: Uncertain significance for Hereditary cancer-predisposing syndrome. Last evaluated: 2015-06-30. Review status: criteria provided, single submitter. Criteria: Ambry Variant Classification Scheme 2023. Collection method: clinical testing. Allele origin: germline.
Comment: The p.L399F variant (also known as c.1195C>T), located in coding exon 8 of the RAD50 gene, results from a C to T substitution at nucleotide position 1195. The leucine at codon 399 is replaced by phenylalanine, an amino acid with highly similar properties. This variant was not reported in population based cohorts in the following databases: Database of Single Nucleotide Polymorphisms (dbSNP), NHLBI Exome Sequencing Project (ESP), and 1000 Genomes Project. In the ESP, this variant was not observed in 6503 samples (13006 alleles) with coverage at this position. To date, this alteration has been detected with an allele frequency of approximately 0.002% (greater than 65000 alleles tested) in our clinical cohort. This amino acid position is well conserved in available vertebrate species. In addition, this alteration is predicted to be tolerated by in silico analysis. Since supporting evidence is limited at this time, the clinical significance of p.L399F remains unclear.